The following is an entry in ClinVar:

NM_001077350.3(NPRL3):c.394G>A (p.Ala132Thr)

Genes: HBA-LCR (alpha-globin locus control region; plus strand), NPRL3 (NPR3 like, GATOR1 complex subunit; minus strand). Cytogenetic location: 16p13.3.
Variant type: single nucleotide variant.
Coding change: c.394G>A on transcript NM_001077350.3 (MANE Select); coding-DNA position 394, G replaced by A.
Protein change: p.Ala132Thr; replaces alanine 132 with threonine.
Molecular consequence: missense variant. On other transcripts: 5 prime UTR variant (1).
Genome position (GRCh38, 1-based): chr16:112,775, C>T on the plus strand (G>A on the coding strand, the complement: NPRL3 is on the minus strand). VCF-style: chr16-112775-C-T. GRCh37 (hg19) VCF-style: chr16-162774-C-T.
Other names: c.-144G>A (NM_001039476.3); c.160G>A, p.Ala54Thr (NM_001243247.2); c.319G>A, p.Ala107Thr (NM_001243248.2, NM_001243249.2); short protein forms A132T, A54T, A107T.
Identifiers: ClinVar variation 844480 (VCV000844480.9), dbSNP rs1899875190, ClinGen allele CA393994136.
Genomic context (GRCh38, chr16:112,775, plus strand): 5'-CGGTGGCGATACGACGGGACAGGTTATGCAGACAGTTTATCACTGACGGGTCTGCGTTGG[C>T]CTGCAGGAGAGAGACCATACACAGACTCAAACGTGTGCACAGGGACACAGCTGGACACAG-3'
Protein context (NP_001070818.1, residues 122-142): ILFNVVFALR[Ala132Thr]NADPSVINCL

ClinVar aggregate classification (germline): Uncertain significance (1 of 4 stars; one submission).

Conditions:
Epilepsy, familial focal, with variable foci 3 (FFEVF3). Identifiers: MedGen C4310708, MONDO:0014925, OMIM 617118.

Submission:

Labcorp Genetics (formerly Invitae), Labcorp
Classification: Uncertain significance for Epilepsy, familial focal, with variable foci 3. Last evaluated: 2022-06-23. Review status: criteria provided, single submitter. Criteria: Invitae Variant Classification Sherloc (09022015). Collection method: clinical testing. Allele origin: germline.
Comment: This sequence change replaces alanine, which is neutral and non-polar, with threonine, which is neutral and polar, at codon 132 of the NPRL3 protein (p.Ala132Thr). In summary, the available evidence is currently insufficient to determine the role of this variant in disease. Therefore, it has been classified as a Variant of Uncertain Significance. Experimental studies and prediction algorithms are not available or were not evaluated, and the functional significance of this variant is currently unknown. ClinVar contains an entry for this variant (Variation ID: 844480). This variant has not been reported in the literature in individuals affected with NPRL3-related conditions. This variant is not present in population databases (gnomAD no frequency).